The following is an entry in ClinVar:

ClinVar aggregate classification (germline): Pathogenic/Likely pathogenic. Review status: criteria provided, multiple submitters, no conflicts (2 of 4 stars). 4 submissions from 4 submitters: Pathogenic (1); Likely pathogenic (3). Last evaluated 2024-09-21.

Conditions:
TMEM138-related disorder. Also called: TMEM138-related condition.
Joubert syndrome 16 (JBTS16). Identifiers: Orphanet 2318, MedGen C3280906, MONDO:0013764, OMIM 614465.

Allele frequency attached by ClinVar (database versions not stated): gnomAD exomes below 0.00001; ExAC 0.00001; gnomAD 0.00001.

Submissions (4):

Victorian Clinical Genetics Services, Murdoch Childrens Research Institute
Classification: Likely pathogenic for Joubert syndrome 16. Last evaluated: 2024-09-21. Review status: criteria provided, single submitter. Criteria: ACMG Guidelines, 2015. Collection method: clinical testing. Allele origin: germline. Inheritance: Autosomal recessive inheritance. Affected: yes.
Comment: Based on the classification scheme VCGS_Germline_v1.3.4, this variant is classified as Likely Pathogenic. Following criteria are met: 0102 - Loss of function is a known mechanism of disease in this gene and is associated with Joubert syndrome 16 (MM#614465). (I) 0106 - This gene is associated with autosomal recessive disease. (I) 0204 - Variant is predicted to result in a truncated protein (premature termination codon is NOT located at least 54 nucleotides upstream of the final exon-exon junction) with at least 1/3 of the protein sequence affected. (SP) 0252 - This variant is homozygous. (I) 0304 - Variant is present in gnomAD (v2) <0.01 for a recessive condition (2 heterozygotes, 0 homozygotes). (SP) 0600 - Variant is located in the annotated TMEM138 domain (DECIPHER). (I) 0703 - Other truncating variants comparable to the one identified in this case have moderate previous evidence for pathogenicity. p.(Arg103Thrfs*33) has been classified as pathogenic in ClinVar. p.(Arg103Alalfs*23) has been classified as pathogenic in ClinVar and in the literature in two homozygous individuals with Joubert syndrome (PMID: 26489029, 32404165). (SP) 0803 - This variant has limited previous evidence of pathogenicity in an unrelated individual. ClinVar contains one likely pathogenic entry. (SP) 0905 - No published segregation evidence has been identified for this variant. (I) 1007 - No published functional evidence has been identified for this variant. (I) 1208 - Inheritance information for this variant is not currently available in this individual. (I) Legend: (SP) - Supporting pathogenic, (I) - Information, (SB) - Supporting benign

Blueprint Genetics
Classification: Likely pathogenic for TMEM138-related disorders. Last evaluated: 2024-08-09. Review status: criteria provided, single submitter. Criteria: ACMG Guidelines, 2015. Collection method: clinical testing. Allele origin: germline. Affected: yes. Observed: 2 variant alleles.

Fulgent Genetics
Classification: Likely pathogenic for Joubert syndrome 16. Last evaluated: 2024-03-08. Review status: criteria provided, single submitter. Criteria: ACMG Guidelines, 2015. Collection method: clinical testing. Allele origin: germline.

Labcorp Genetics (formerly Invitae), Labcorp
Classification: Pathogenic for Joubert syndrome 16. Last evaluated: 2023-10-03. Review status: criteria provided, single submitter. Criteria: Invitae Variant Classification Sherloc (09022015). Collection method: clinical testing. Allele origin: germline.
Comment: This sequence change creates a premature translational stop signal (p.Arg103Hisfs*24) in the TMEM138 gene. While this is not anticipated to result in nonsense mediated decay, it is expected to disrupt the last 60 amino acid(s) of the TMEM138 protein. This variant is present in population databases (rs771224190, gnomAD 0.01%). This variant has not been reported in the literature in individuals affected with TMEM138-related conditions. ClinVar contains an entry for this variant (Variation ID: 1505578). This variant disrupts a region of the TMEM138 protein in which other variant(s) (p.Ala126Thr) have been determined to be pathogenic (PMID: 22282472). This suggests that this is a clinically significant region of the protein, and that variants that disrupt it are likely to be disease-causing. For these reasons, this variant has been classified as Pathogenic.

Literature cited by the submitters: PubMed 26489029 (cited by Victorian Clinical Genetics Services, Murdoch Childrens Research Institute); PubMed 32404165 (cited by Victorian Clinical Genetics Services, Murdoch Childrens Research Institute); PubMed 22282472 (cited by Labcorp Genetics (formerly Invitae), Labcorp).

NM_016464.5(TMEM138):c.306_307dup (p.Arg103fs)

Gene: TMEM138 (transmembrane protein 138; plus strand). Cytogenetic location: 11q12.2.
Variant type: Duplication.
Coding change: c.306_307dup on transcript NM_016464.5 (MANE Select); coding-DNA positions 306 to 307, 2 bases duplicated (AC; older notation c.306_307dupAC).
Protein change: p.Arg103fs; shifts the reading frame from arginine 103.
Molecular consequence: frameshift variant. On other transcripts: non-coding transcript variant (1).
Genome position (GRCh38, 1-based): chr11:61,367,928-61,367,929, AC duplicated. VCF-style (leftmost placement, unchanged base first): chr11-61367927-T-TAC. GRCh37 (hg19) VCF-style: chr11-61135399-T-TAC.
Other names: c.132_133dup, p.Arg45fs (NM_001330281.2); c.306_307dupAC (NM_016464.4); short protein forms R103fs, R45fs.
Identifiers: ClinVar variation 1505578 (VCV001505578.11), dbSNP rs771224190, ClinGen allele CA6034588.